The following is an entry in ClinVar:

NM_001035.3(RYR2):c.9683A>G (p.Tyr3228Cys)

Gene: RYR2 (ryanodine receptor 2; plus strand). Cytogenetic location: 1q43.
Variant type: single nucleotide variant.
Coding change: c.9683A>G on transcript NM_001035.3 (MANE Select); coding-DNA position 9683, A replaced by G.
Protein change: p.Tyr3228Cys; replaces tyrosine 3228 with cysteine.
Molecular consequence: missense variant.
Genome position (GRCh38, 1-based): chr1:237,707,051, A>G. VCF-style: chr1-237707051-A-G. GRCh37 (hg19) VCF-style: chr1-237870351-A-G.
Other names: short protein forms Y3228C.
Identifiers: ClinVar variation 2001630 (VCV002001630.4), dbSNP rs2547401901, ClinGen allele CA345408556.

ClinVar aggregate classification (germline): Uncertain significance (1 of 4 stars; one submission).

Conditions:
Catecholaminergic polymorphic ventricular tachycardia 1. Also called: RYR2-Related Catecholaminergic Polymorphic Ventricular Tachycardia; VENTRICULAR TACHYCARDIA, CATECHOLAMINERGIC POLYMORPHIC, 1, WITH OR WITHOUT ATRIAL DYSFUNCTION AND/OR DILATED CARDIOMYOPATHY; VENTRICULAR TACHYCARDIA, STRESS-INDUCED POLYMORPHIC 1. Identifiers: Orphanet 3286, MedGen C1631597, MONDO:0011484, OMIM 604772.

Allele frequency attached by ClinVar (database versions not stated): gnomAD exomes below 0.00001.
gnomAD v4.1: 1 of 1,613,732 alleles (0.000062%); highest among the groups gnomAD compares: Non-Finnish European, 0.000085%; no homozygotes.

Submission:

Labcorp Genetics (formerly Invitae), Labcorp
Classification: Uncertain significance for Catecholaminergic polymorphic ventricular tachycardia 1. Last evaluated: 2022-06-01. Review status: criteria provided, single submitter. Criteria: Invitae Variant Classification Sherloc (09022015). Collection method: clinical testing. Allele origin: germline.
Comment: This variant is not present in population databases (gnomAD no frequency). This sequence change replaces tyrosine, which is neutral and polar, with cysteine, which is neutral and slightly polar, at codon 3228 of the RYR2 protein (p.Tyr3228Cys). This variant has not been reported in the literature in individuals affected with RYR2-related conditions. Advanced modeling of protein sequence and biophysical properties (such as structural, functional, and spatial information, amino acid conservation, physicochemical variation, residue mobility, and thermodynamic stability) performed at Invitae indicates that this missense variant is expected to disrupt RYR2 protein function. In summary, the available evidence is currently insufficient to determine the role of this variant in disease. Therefore, it has been classified as a Variant of Uncertain Significance.